The following is an entry in ClinVar:

NM_001011.4(RPS7):c.-36A>C

Gene: RPS7 (ribosomal protein S7; plus strand). Cytogenetic location: 2p25.3.
Variant type: single nucleotide variant.
Coding change: c.-36A>C on transcript NM_001011.4 (MANE Select); 36 bases upstream of the start codon, A replaced by C.
Molecular consequence: 5 prime UTR variant.
Genome position (GRCh38, 1-based): chr2:3,575,333, A>C. VCF-style: chr2-3575333-A-C. GRCh37 (hg19) VCF-style: chr2-3622923-A-C.
Other names: c.-36A>C (LRG_1148t1).
Identifiers: ClinVar variation 335897 (VCV000335897.6), dbSNP rs17552296, ClinGen allele CA10613760.

ClinVar aggregate classification (germline): Benign/Likely benign. Review status: criteria provided, multiple submitters, no conflicts (2 of 4 stars). 2 submissions from 2 submitters: Benign (1); Likely benign (1). Last evaluated 2024-11-20.

Conditions:
Diamond-Blackfan anemia 8 (DBA8). Also called: RPS7-Related Diamond-Blackfan Anemia. Identifiers: Orphanet 124, MedGen C2675511, MONDO:0012939, OMIM 612563.

Allele frequency attached by ClinVar (database versions not stated): TOPMed 0.00301; gnomAD 0.00303; gnomAD exomes 0.00430; 1000 Genomes Project 30x 0.01124; 1000 Genomes Project 0.01198.
gnomAD v4.1: 1,900 of 518,348 alleles (0.37%); highest among the groups gnomAD compares: East Asian, 5.9%; 54 homozygotes.

Submissions (2):

Blueprint Genetics
Classification: Likely benign. Last evaluated: 2024-11-20. Review status: criteria provided, single submitter. Criteria: ACMG Guidelines, 2015. Collection method: clinical testing. Allele origin: germline.

Illumina Laboratory Services, Illumina
Classification: Benign for Diamond-Blackfan anemia 8. Last evaluated: 2018-01-13. Review status: criteria provided, single submitter. Criteria: ICSL Variant Classification Criteria 13 December 2019. Collection method: clinical testing. Allele origin: germline.
Comment: This variant was observed in the ICSL laboratory as part of a predisposition screen in an ostensibly healthy population. It had not been previously curated by ICSL or reported in the Human Gene Mutation Database (HGMD: prior to June 1st, 2018), and was therefore a candidate for classification through an automated scoring system. Utilizing variant allele frequency, disease prevalence and penetrance estimates, and inheritance mode, an automated score was calculated to assess if this variant is too frequent to cause the disease. Based on the score and internal cut-off values, a variant classified as benign is not then subjected to further curation. The score for this variant resulted in a classification of benign for this disease.